The following is an entry in ClinVar:

NM_001211.6(BUB1B):c.1160A>C (p.Gln387Pro)

Gene: BUB1B (BUB1 mitotic checkpoint serine/threonine kinase B; plus strand). Cytogenetic location: 15q15.1.
Variant type: single nucleotide variant.
Coding change: c.1160A>C on transcript NM_001211.6 (MANE Select); coding-DNA position 1160, A replaced by C.
Protein change: p.Gln387Pro; replaces glutamine 387 with proline.
Molecular consequence: missense variant.
Genome position (GRCh38, 1-based): chr15:40,196,646, A>C. VCF-style: chr15-40196646-A-C. GRCh37 (hg19) VCF-style: chr15-40488847-A-C.
Other names: short protein forms Q387P.
Identifiers: ClinVar variation 3483149 (VCV003483149.1).
Genomic context (GRCh38, chr15:40,196,646, plus strand): 5'-GCACCAGAAAGCCTGGAAAGGAAGAAGGAGATCCTCTACAAAGGGTTCAGAGCCATCAGC[A>C]AGCGTCTGAGGAGAAGAAAGAGAAGATGATGTATTGTAAGGAGAAGATTTATGCAGGAGT-3'
Protein context (NP_001202.5, residues 377-397): DPLQRVQSHQ[Gln387Pro]ASEEKKEKMM

ClinVar aggregate classification (germline): Uncertain significance (1 of 4 stars; one submission).

Conditions:
Inborn genetic diseases. Identifiers: MedGen C0950123, MeSH D030342.

Submission:

Ambry Genetics
Classification: Uncertain significance for Inborn genetic diseases. Last evaluated: 2024-07-02. Review status: criteria provided, single submitter. Criteria: Ambry Variant Classification Scheme 2023. Collection method: clinical testing. Allele origin: germline.
Comment: The p.Q387P variant (also known as c.1160A>C), located in coding exon 9 of the BUB1B gene, results from an A to C substitution at nucleotide position 1160. The glutamine at codon 387 is replaced by proline, an amino acid with similar properties. This amino acid position is conserved. In addition, this alteration is predicted to be tolerated by in silico analysis. Based on the available evidence, the clinical significance of this variant remains unclear.